The following is an entry in ClinVar:

NM_000069.3(CACNA1S):c.3129C>A (p.Ile1043=)

Gene: CACNA1S (calcium voltage-gated channel subunit alpha1 S; minus strand). Cytogenetic location: 1q32.1.
Variant type: single nucleotide variant.
Coding change: c.3129C>A on transcript NM_000069.3 (MANE Select); coding-DNA position 3129, C replaced by A.
Protein change: p.Ile1043=; no amino-acid change (isoleucine 1043 retained).
Molecular consequence: synonymous variant.
Genome position (GRCh38, 1-based): chr1:201,061,393, G>T on the plus strand (C>A on the coding strand, the complement: CACNA1S is on the minus strand). VCF-style: chr1-201061393-G-T. GRCh37 (hg19) VCF-style: chr1-201030521-G-T.
Identifiers: ClinVar variation 514864 (VCV000514864.35), dbSNP rs774801845, ClinGen allele CA079560.

ClinVar aggregate classification (germline): Likely benign. Review status: criteria provided, multiple submitters, no conflicts (2 of 4 stars). 10 submissions from 7 submitters: Likely benign (10). Last evaluated 2026-01-07.

Conditions:
Congenital myopathy 18. Also called: Myopathy, congenital, due to dihydropyridine receptor defect; DIHYDROPYRIDINE RECEPTOR CONGENITAL MYOPATHY; DHPR CONGENITAL MYOPATHY. Identifiers: MedGen C5830283, MONDO:0859514, OMIM 620246.
Hypokalemic periodic paralysis, type 1. Also called: HypoPP; Hypokalemic Periodic Paralysis Type 1 (AD). Identifiers: Orphanet 681, MedGen C3714580, MONDO:0042979, OMIM 170400.
Malignant hyperthermia, susceptibility to, 5 (MHS5). Also called: CACNA1S-Related Malignant Hyperthermia Susceptibility. Identifiers: Orphanet 423, MedGen C1866077, MONDO:0011163, OMIM 601887.
Thyrotoxic periodic paralysis, susceptibility to, 1 (TTPP1). Identifiers: Orphanet 79102, MedGen C2749982, MONDO:0008570, OMIM 188580.

Allele frequency attached by ClinVar (database versions not stated): ExAC 0.00003; gnomAD 0.00003; gnomAD exomes 0.00005 and 0.00006; TOPMed 0.00002.
gnomAD v4.1: 85 of 1,614,116 alleles (0.0053%); highest among the groups gnomAD compares: Non-Finnish European, 0.007%; no homozygotes.

Submissions (10):

Labcorp Genetics (formerly Invitae), Labcorp
Classification: Likely benign for Hypokalemic periodic paralysis, type 1; Malignant hyperthermia, susceptibility to, 5. Last evaluated: 2026-01-07. Review status: criteria provided, single submitter. Criteria: Invitae Variant Classification Sherloc (09022015). Collection method: clinical testing. Allele origin: germline.

Blueprint Genetics
Classification: Likely benign. Last evaluated: 2024-06-04. Review status: criteria provided, single submitter. Criteria: ACMG Guidelines, 2015. Collection method: clinical testing. Allele origin: germline.

CeGaT Center for Human Genetics Tuebingen
Classification: Likely benign. Last evaluated: 2024-05-01. Review status: criteria provided, single submitter. Criteria: CeGaT Center For Human Genetics Tuebingen Variant Classification Criteria Version 2. Collection method: clinical testing. Allele origin: germline. Affected: yes. Observed: 1 variant allele.
Comment: CACNA1S: BP4, BP7

All of Us Research Program, National Institutes of Health
Classification: Likely benign for Malignant hyperthermia, susceptibility to, 5. Last evaluated: 2023-09-04. Review status: criteria provided, single submitter. Criteria: ACMG Guidelines, 2015. Collection method: clinical testing. Allele origin: germline. Inheritance: Autosomal dominant inheritance. Observed: 8 variant alleles, 8 heterozygotes.
Comment: This study involves interpretation of variants in research participants for the purpose of population health screening. Participant phenotype was not available at the time of variant classification. Additional details can be found in publication PMID: 35346344, PMCID: PMC8962531

Genome-Nilou Lab
Classification: Likely benign for Malignant hyperthermia, susceptibility to, 5. Last evaluated: 2023-04-11. Review status: criteria provided, single submitter. Criteria: ACMG Guidelines, 2015. Collection method: clinical testing. Allele origin: germline. Affected: no.

Genome-Nilou Lab
Classification: Likely benign for Thyrotoxic periodic paralysis, susceptibility to, 1. Last evaluated: 2023-04-11. Review status: criteria provided, single submitter. Criteria: ACMG Guidelines, 2015. Collection method: clinical testing. Allele origin: germline. Affected: no.

Genome-Nilou Lab
Classification: Likely benign for Congenital myopathy 18. Last evaluated: 2023-04-11. Review status: criteria provided, single submitter. Criteria: ACMG Guidelines, 2015. Collection method: clinical testing. Allele origin: germline. Affected: no.

Genome-Nilou Lab
Classification: Likely benign for Hypokalemic periodic paralysis, type 1. Last evaluated: 2023-04-11. Review status: criteria provided, single submitter. Criteria: ACMG Guidelines, 2015. Collection method: clinical testing. Allele origin: germline. Affected: no.

Color Diagnostics, LLC DBA Color Health
Classification: Likely benign for Malignant hyperthermia, susceptibility to, 5. Last evaluated: 2023-01-25. Review status: criteria provided, single submitter. Criteria: ACMG Guidelines, 2015. Collection method: clinical testing. Allele origin: germline.

GeneDx
Classification: Likely benign. Last evaluated: 2018-01-18. Review status: criteria provided, single submitter. Criteria: GeneDx Variant Classification (06012015). Collection method: clinical testing. Allele origin: germline. Affected: yes.
Comment: This variant is considered likely benign or benign based on one or more of the following criteria: it is a conservative change, it occurs at a poorly conserved position in the protein, it is predicted to be benign by multiple in silico algorithms, and/or has population frequency not consistent with disease.